The following is an entry in ClinVar:

NM_006493.4(CLN5):c.-75C>G

Gene: CLN5 (CLN5 lysosomal BMP synthase; plus strand). Cytogenetic location: 13q22.3.
Variant type: single nucleotide variant.
Coding change: c.-75C>G on transcript NM_006493.4 (MANE Select); 75 bases upstream of the start codon, C replaced by G.
Genome position (GRCh38, 1-based): chr13:76,992,024, C>G. VCF-style: chr13-76992024-C-G. GRCh37 (hg19) VCF-style: chr13-77566159-C-G.
Identifiers: ClinVar variation 949633 (VCV000949633.12), dbSNP rs754544785, ClinGen allele CA7007088.

ClinVar aggregate classification (germline): Uncertain significance. Review status: criteria provided, single submitter (1 of 4 stars). 2 submissions from 2 submitters: Uncertain significance (1). 1 of the submissions does not count toward it. Last evaluated 2024-05-22.

Conditions:
Neuronal ceroid lipofuscinosis. Also called: Neuronal Ceroid Lipofuscinoses. Identifiers: Orphanet 216, Orphanet 79263, MedGen C0027877, MONDO:0016295. Disease mechanism: loss of function.

Allele frequency attached by ClinVar (database versions not stated): gnomAD exomes below 0.00001; ExAC 0.00001; TOPMed 0.00002.

Submissions (2):

Labcorp Genetics (formerly Invitae), Labcorp
Classification: Uncertain significance for Neuronal ceroid lipofuscinosis. Last evaluated: 2024-05-22. Review status: criteria provided, single submitter. Criteria: Invitae Variant Classification Sherloc (09022015). Collection method: clinical testing. Allele origin: germline.
Comment: This sequence change replaces leucine, which is neutral and non-polar, with valine, which is neutral and non-polar, at codon 25 of the CLN5 protein (p.Leu25Val). This variant is present in population databases (rs754544785, gnomAD no frequency). This variant has not been reported in the literature in individuals affected with CLN5-related conditions. ClinVar contains an entry for this variant (Variation ID: 949633). An algorithm developed to predict the effect of missense changes on protein structure and function (PolyPhen-2) suggests that this variant is likely to be disruptive. In summary, the available evidence is currently insufficient to determine the role of this variant in disease. Therefore, it has been classified as a Variant of Uncertain Significance.

Natera, Inc.
Classification: Uncertain significance for Neuronal ceroid lipofuscinosis. Last evaluated: 2021-07-13. Review status: no assertion criteria provided. Collection method: clinical testing. Allele origin: germline. Not counted in ClinVar's aggregate classification.